The following is an entry in ClinVar:

ClinVar aggregate classification (germline): Uncertain significance (1 of 4 stars; one submission).

Allele frequency attached by ClinVar (database versions not stated): gnomAD 0.00001; TOPMed 0.00003; ExAC 0.00005.
gnomAD v4.1: 22 of 1,613,006 alleles (0.0014%); highest among the groups gnomAD compares: Admixed American, 0.035%; no homozygotes.

Submission:

Labcorp Genetics (formerly Invitae), Labcorp
Classification: Uncertain significance. Last evaluated: 2024-11-05. Review status: criteria provided, single submitter. Criteria: Invitae Variant Classification Sherloc (09022015). Collection method: clinical testing. Allele origin: germline.
Comment: This sequence change replaces proline, which is neutral and non-polar, with leucine, which is neutral and non-polar, at codon 1037 of the DGKZ protein (p.Pro1037Leu). This variant is present in population databases (rs781146165, gnomAD 0.05%). This variant has not been reported in the literature in individuals affected with DGKZ-related conditions. ClinVar contains an entry for this variant (Variation ID: 2045788). An algorithm developed to predict the effect of missense changes on protein structure and function (PolyPhen-2) suggests that this variant is likely to be tolerated. In summary, the available evidence is currently insufficient to determine the role of this variant in disease. Therefore, it has been classified as a Variant of Uncertain Significance.

NM_001199267.2(DGKZ):c.2543C>T (p.Pro848Leu)

Gene: DGKZ (diacylglycerol kinase zeta; plus strand). Cytogenetic location: 11p11.2.
Variant type: single nucleotide variant.
Coding change: c.2543C>T on transcript NM_001199267.2 (MANE Select); coding-DNA position 2543, C replaced by T.
Protein change: p.Pro848Leu; replaces proline 848 with leucine.
Molecular consequence: missense variant.
Genome position (GRCh38, 1-based): chr11:46,379,209, C>T. VCF-style: chr11-46379209-C-T. GRCh37 (hg19) VCF-style: chr11-46400759-C-T.
Other names: c.3110C>T, p.Pro1037Leu (NM_001105540.2); c.2546C>T, p.Pro849Leu (NM_001199266.2, NM_003646.4); c.2477C>T, p.Pro826Leu (NM_001199268.2); c.2594C>T, p.Pro865Leu (NM_201532.3); c.2558C>T, p.Pro853Leu (NM_201533.3); short protein forms P848L, P865L, P1037L, P849L, P826L, P853L.
Identifiers: ClinVar variation 2045788 (VCV002045788.4), dbSNP rs781146165, ClinGen allele CA5963326.